The following is an entry in ClinVar:

ClinVar aggregate classification (germline): Benign/Likely benign. Review status: criteria provided, multiple submitters, no conflicts (2 of 4 stars). 28 submissions from 21 submitters: Benign (17); Likely benign (7). 4 of the submissions do not count toward it. Last evaluated 2026-02-03.

Conditions:
Cardiovascular phenotype. Identifiers: MedGen CN230736.
Dilated cardiomyopathy 1G (CMD1G). Identifiers: Orphanet 154, MedGen C1858763, MONDO:0011400, OMIM 604145.
Autosomal recessive limb-girdle muscular dystrophy type 2J (LGMDR10). Also called: Limb-girdle muscular dystrophy, type 2J; MUSCULAR DYSTROPHY, LIMB-GIRDLE, AUTOSOMAL RECESSIVE 10. Identifiers: Orphanet 140922, MedGen C1837342, MONDO:0012127, OMIM 608807.
Cardiomyopathy (CMYO). Also called: Cardiomyopathies. Identifiers: Orphanet 167848, MedGen C0878544, MONDO:0004994, HP:0001638. Inheritance: Various modes of inheritance.
Early-onset myopathy with fatal cardiomyopathy (CMYO5). Also called: CONGENITAL MYOPATHY 5 WITH CARDIOMYOPATHY; Salih Myopathy. Identifiers: Orphanet 289377, MedGen C2673677, MONDO:0012714, OMIM 611705. Disease mechanism: loss of function.
Myopathy, myofibrillar, 9, with early respiratory failure (MFM9). Also called: MYOPATHY, PROXIMAL, WITH EARLY RESPIRATORY MUSCLE INVOLVEMENT; Myopathy, distal, with early respiratory failure, autosomal dominant; Hereditary myopathy with early respiratory failure; EDSTROM MYOPATHY. Identifiers: Orphanet 178464, Orphanet 34521, MedGen C1863599, MONDO:0011362, OMIM 603689.
Tibial muscular dystrophy (TMD). Also called: Tibial muscular dystrophy, tardive; UDD MYOPATHY; Udd Distal Myopathy – Tibial Muscular Dystrophy. Identifiers: Orphanet 609, MedGen C1838244, MONDO:0010870, OMIM 600334.

Allele frequency attached by ClinVar (database versions not stated): gnomAD exomes 0.00063 and 0.00141; ExAC 0.00174; gnomAD 0.00517 and 0.00558; ESP Exome Variant Server 0.00554; 1000 Genomes Project 0.00559; TOPMed 0.00587; 1000 Genomes Project 30x 0.00625.
gnomAD v4.1: 1,741 of 1,614,072 alleles (0.11%); highest among the groups gnomAD compares: African/African-American, 1.8%; 15 homozygotes.

Submissions (28):

Labcorp Genetics (formerly Invitae), Labcorp
Classification: Benign for Dilated cardiomyopathy 1G; Autosomal recessive limb-girdle muscular dystrophy type 2J. Last evaluated: 2026-02-03. Review status: criteria provided, single submitter. Criteria: Invitae Variant Classification Sherloc (09022015). Collection method: clinical testing. Allele origin: germline.

Genomic Medicine Center of Excellence, King Faisal Specialist Hospital and Research Centre
Classification: Likely benign. Last evaluated: 2025-08-18. Review status: criteria provided, single submitter. Criteria: ACMG Guidelines, 2015. Collection method: clinical testing. Allele origin: germline.

ARUP Laboratories, Molecular Genetics and Genomics, ARUP Laboratories
Classification: Benign. Last evaluated: 2025-05-20. Review status: criteria provided, single submitter. Criteria: ARUP Molecular Germline Variant Investigation Process 2024. Collection method: clinical testing. Allele origin: germline.

Molecular Diagnostic Laboratory for Inherited Cardiovascular Disease, Montreal Heart Institute
Classification: Likely benign. Last evaluated: 2025-04-09. Review status: criteria provided, single submitter. Criteria: ACMG Guidelines, 2015. Collection method: clinical testing. Allele origin: germline. Affected: no.

Athena Diagnostics
Classification: Benign. Last evaluated: 2025-02-24. Review status: criteria provided, single submitter. Criteria: Athena Diagnostics Criteria. Collection method: clinical testing. Allele origin: unknown.
Comment: The frequency of this variant in the general population is higher than would generally be expected for pathogenic variants in this gene.

Genome-Nilou Lab
Classification: Benign for Autosomal recessive limb-girdle muscular dystrophy type 2J. Last evaluated: 2021-09-10. Review status: criteria provided, single submitter. Criteria: ACMG Guidelines, 2015. Collection method: clinical testing. Allele origin: germline. Affected: no.

Genome-Nilou Lab
Classification: Benign for Myopathy, myofibrillar, 9, with early respiratory failure. Last evaluated: 2021-09-10. Review status: criteria provided, single submitter. Criteria: ACMG Guidelines, 2015. Collection method: clinical testing. Allele origin: germline. Affected: no.

Genome-Nilou Lab
Classification: Benign for Early-onset myopathy with fatal cardiomyopathy. Last evaluated: 2021-09-10. Review status: criteria provided, single submitter. Criteria: ACMG Guidelines, 2015. Collection method: clinical testing. Allele origin: germline. Affected: no.

Genome-Nilou Lab
Classification: Benign for Tibial muscular dystrophy. Last evaluated: 2021-09-10. Review status: criteria provided, single submitter. Criteria: ACMG Guidelines, 2015. Collection method: clinical testing. Allele origin: germline. Affected: no.

Women's Health and Genetics/Laboratory Corporation of America, LabCorp
Classification: Likely benign. Last evaluated: 2021-01-21. Review status: criteria provided, single submitter. Criteria: LabCorp Variant Classification Summary - May 2015. Collection method: clinical testing. Allele origin: germline.

Center for Advanced Laboratory Medicine, UC San Diego Health, University of California San Diego
Classification: Benign for Cardiomyopathy. Last evaluated: 2018-11-28. Review status: criteria provided, single submitter. Criteria: ACMG Guidelines, 2015. Collection method: clinical testing. Allele origin: germline. Affected: yes. Observed: 2 variant alleles.

Illumina Laboratory Services, Illumina
Classification: Benign for Myopathy, myofibrillar, 9, with early respiratory failure. Last evaluated: 2018-01-12. Review status: criteria provided, single submitter. Criteria: ICSL Variant Classification Criteria 13 December 2019. Collection method: clinical testing. Allele origin: germline.
Comment: This variant was observed in the ICSL laboratory as part of a predisposition screen in an ostensibly healthy population. It had not been previously curated by ICSL or reported in the Human Gene Mutation Database (HGMD: prior to June 1st, 2018), and was therefore a candidate for classification through an automated scoring system. Utilizing variant allele frequency, disease prevalence and penetrance estimates, and inheritance mode, an automated score was calculated to assess if this variant is too frequent to cause the disease. Based on the score and internal cut-off values, a variant classified as benign is not then subjected to further curation. The score for this variant resulted in a classification of benign for this disease.

Illumina Laboratory Services, Illumina
Classification: Likely benign for Dilated cardiomyopathy 1G. Last evaluated: 2018-01-12. Review status: criteria provided, single submitter. Criteria: ICSL Variant Classification Criteria 13 December 2019. Collection method: clinical testing. Allele origin: germline.
Comment: This variant was observed in the ICSL laboratory as part of a predisposition screen in an ostensibly healthy population. It had not been previously curated by ICSL or reported in the Human Gene Mutation Database (HGMD: prior to June 1st, 2018), and was therefore a candidate for classification through an automated scoring system. Utilizing variant allele frequency, disease prevalence and penetrance estimates, and inheritance mode, an automated score was calculated to assess if this variant is too frequent to cause the disease. Based on the score and internal cut-off values, a variant classified as likely benign is not then subjected to further curation. The score for this variant resulted in a classification of likely benign for this disease.

Illumina Laboratory Services, Illumina
Classification: Benign for Tibial muscular dystrophy. Last evaluated: 2018-01-12. Review status: criteria provided, single submitter. Criteria: ICSL Variant Classification Criteria 13 December 2019. Collection method: clinical testing. Allele origin: germline.
Comment: the same text as in the submission from Illumina Laboratory Services, Illumina above.

Illumina Laboratory Services, Illumina
Classification: Likely benign for Autosomal recessive limb-girdle muscular dystrophy type 2J. Last evaluated: 2018-01-12. Review status: criteria provided, single submitter. Criteria: ICSL Variant Classification Criteria 13 December 2019. Collection method: clinical testing. Allele origin: germline.
Comment: the same text as in the submission from Illumina Laboratory Services, Illumina above.

Illumina Laboratory Services, Illumina
Classification: Likely benign for Early-onset myopathy with fatal cardiomyopathy. Last evaluated: 2018-01-12. Review status: criteria provided, single submitter. Criteria: ICSL Variant Classification Criteria 13 December 2019. Collection method: clinical testing. Allele origin: germline.
Comment: the same text as in the submission from Illumina Laboratory Services, Illumina above.

Center for Pediatric Genomic Medicine, Children's Mercy Hospital and Clinics
Classification: Benign. Last evaluated: 2016-01-11. Review status: criteria provided, single submitter. Criteria: ACMG Guidelines, 2015. Collection method: clinical testing. Allele origin: germline.

CHEO Genetics Diagnostic Laboratory, Children's Hospital of Eastern Ontario
Classification: Benign for Cardiomyopathy. Last evaluated: 2015-12-03. Review status: criteria provided, single submitter. Criteria: ACMG Guidelines, 2015. Collection method: clinical testing. Allele origin: germline. Study: Canadian Open Genetics Repository.

GeneDx
Classification: Benign. Last evaluated: 2014-07-07. Review status: criteria provided, single submitter. Criteria: GeneDx Variant Classification (06012015). Collection method: clinical testing. Allele origin: germline. Affected: yes.
Comment: This variant is considered likely benign or benign based on one or more of the following criteria: it is a conservative change, it occurs at a poorly conserved position in the protein, it is predicted to be benign by multiple in silico algorithms, and/or has population frequency not consistent with disease.

Mayo Clinic Laboratories, Mayo Clinic
Classification: Benign. Last evaluated: 2014-05-08. Review status: criteria provided, single submitter. Criteria: ACMG Guidelines, 2015. Collection method: clinical testing. Allele origin: germline. Observed: 10 variant alleles.

Ambry Genetics
Classification: Benign for Cardiovascular phenotype. Last evaluated: 2013-09-18. Review status: criteria provided, single submitter. Criteria: Ambry Autosomal Dominant and X-Linked criteria (10/2015). Collection method: clinical testing. Allele origin: germline. Observed: 1 variant allele.

Biesecker Lab/Clinical Genomics Section, National Institutes of Health
Classification: Benign. Last evaluated: 2013-06-24. Review status: criteria provided, single submitter. Criteria: Ng et al. (Circ Cardiovasc Genet. 2013). Collection method: research. Allele origin: unknown. Observed: 3 variant alleles. Study: ClinSeq.
Comment: The study set was not selected for affection status in relation to any cancer. Pathogenicity categories were based on literature curation. See Pubmed ID:23861362 for details.

Medical sequencing

Laboratory for Molecular Medicine, Mass General Brigham Personalized Medicine
Classification: Benign. Last evaluated: 2012-01-24. Review status: criteria provided, single submitter. Criteria: LMM Criteria. Collection method: clinical testing. Allele origin: germline. Observed: 16 variant alleles.
Comment: Thr1580Met in exon 27 of TTN: This variant is classified as benign based on its high frequency in the general population (NHLBI Exome Sequencing Project; dbSNP rs179641951).

Breakthrough Genomics
Classification: Likely benign. Review status: criteria provided, single submitter. Criteria: ACMG Guidelines, 2015. Collection method: not provided. Allele origin: germline. Inheritance: Autosomal recessive inheritance. Affected: yes.

Clinical Genetics DNA and cytogenetics Diagnostics Lab, Erasmus MC, Erasmus Medical Center
Classification: Benign. Review status: no assertion criteria provided. Collection method: clinical testing. Allele origin: germline. Affected: yes. Study: VKGL Data-share Consensus. Not counted in ClinVar's aggregate classification.

Clinical Genetics, Academic Medical Center
Classification: Benign. Review status: no assertion criteria provided. Collection method: clinical testing. Allele origin: germline. Affected: yes. Study: VKGL Data-share Consensus. Not counted in ClinVar's aggregate classification.

Genome Diagnostics Laboratory, University Medical Center Utrecht
Classification: Benign. Review status: no assertion criteria provided. Collection method: clinical testing. Allele origin: germline. Affected: yes. Study: VKGL Data-share Consensus. Not counted in ClinVar's aggregate classification.

Laboratory of Diagnostic Genome Analysis, Leiden University Medical Center (LUMC)
Classification: Likely benign. Review status: no assertion criteria provided. Collection method: clinical testing. Allele origin: germline. Affected: yes. Study: VKGL Data-share Consensus. Not counted in ClinVar's aggregate classification.

Literature cited by the submitters: PubMed 23861362 (cited by Athena Diagnostics).

NM_001267550.2(TTN):c.4739C>T (p.Thr1580Met)

Genes: TTN (titin; minus strand), LOC101927055 (uncharacterized LOC101927055; plus strand). Cytogenetic location: 2q31.2.
Variant type: single nucleotide variant.
Coding change: c.4739C>T on transcript NM_001267550.2 (MANE Select); coding-DNA position 4739, C replaced by T.
Protein change: p.Thr1580Met; replaces threonine 1580 with methionine.
Molecular consequence: missense variant. On other transcripts: non-coding transcript variant (1).
Genome position (GRCh38, 1-based): chr2:178,777,224, G>A on the plus strand (C>T on the coding strand, the complement: TTN is on the minus strand). VCF-style: chr2-178777224-G-A. GRCh37 (hg19) VCF-style: chr2-179641951-G-A.
Other names: p.T1580M:ACG>ATG; c.4739C>T, p.Thr1580Met (NM_001256850.1, NM_133378.4, NM_133379.5); c.4601C>T, p.Thr1534Met (NM_003319.4, NM_133432.3, NM_133437.4); short protein forms T1580M, T1534M.
Identifiers: ClinVar variation 47100 (VCV000047100.48), dbSNP rs73973147, ClinGen allele CA283453.
Genomic context (GRCh38, chr2:178,777,224, plus strand): 5'-TTATGAGGCACAATGATGTCACTGTTTTTCAACCATACAATGTCAGGGTTGGGGTTACCC[G>A]TAGCTCTGACTTTCATTTCAAGTCGGGAACCTTCCTTTATATTGACATTTTTCAGTTTTT-3'
Protein context (NP_001254479.2, residues 1570-1590): GSRLEMKVRA[Thr1580Met]GNPNPDIVWL